The following is an entry in ClinVar:

ClinVar aggregate classification (germline): Uncertain significance (1 of 4 stars; one submission).

Conditions:
Andersen Tawil syndrome (LQT7). Also called: ANDERSEN CARDIODYSRHYTHMIC PERIODIC PARALYSIS; LONG QT SYNDROME 7; PERIODIC PARALYSIS, POTASSIUM-SENSITIVE CARDIODYSRHYTHMIC TYPE; Potassium-sensitive periodic paralysis, ventricular ectopy, and dysmorphic features; Andersen Syndrome. Identifiers: Orphanet 37553, MedGen C1563715, MONDO:0008222, OMIM 170390.
Short QT syndrome type 3. Identifiers: Orphanet 51083, MedGen C1865018, MONDO:0012314, OMIM 609622.

Submission:

Labcorp Genetics (formerly Invitae), Labcorp
Classification: Uncertain significance for Short QT syndrome type 3; Andersen Tawil syndrome. Last evaluated: 2025-01-18. Review status: criteria provided, single submitter. Criteria: Invitae Variant Classification Sherloc (09022015). Collection method: clinical testing. Allele origin: germline.
Comment: This sequence change replaces glutamic acid, which is acidic and polar, with lysine, which is basic and polar, at codon 426 of the KCNJ2 protein (p.Glu426Lys). This variant is not present in population databases (gnomAD no frequency). This variant has not been reported in the literature in individuals affected with KCNJ2-related conditions. Invitae Evidence Modeling of protein sequence and biophysical properties (such as structural, functional, and spatial information, amino acid conservation, physicochemical variation, residue mobility, and thermodynamic stability) indicates that this missense variant is expected to disrupt KCNJ2 protein function with a positive predictive value of 95%. In summary, the available evidence is currently insufficient to determine the role of this variant in disease. Therefore, it has been classified as a Variant of Uncertain Significance.

NM_000891.3(KCNJ2):c.1276G>A (p.Glu426Lys)

Gene: KCNJ2 (potassium inwardly rectifying channel subfamily J member 2; plus strand). Cytogenetic location: 17q24.3.
Variant type: single nucleotide variant.
Coding change: c.1276G>A on transcript NM_000891.3 (MANE Select); coding-DNA position 1276, G replaced by A.
Protein change: p.Glu426Lys; replaces glutamic acid 426 with lysine.
Molecular consequence: missense variant.
Genome position (GRCh38, 1-based): chr17:70,176,315, G>A. VCF-style: chr17-70176315-G-A. GRCh37 (hg19) VCF-style: chr17-68172456-G-A.
Other names: short protein forms E426K.
Identifiers: ClinVar variation 3760745 (VCV003760745.2).